The following is an entry in ClinVar:

ClinVar aggregate classification (germline): Uncertain significance (1 of 4 stars; one submission).

Submission:

Labcorp Genetics (formerly Invitae), Labcorp
Classification: Uncertain significance. Last evaluated: 2022-06-19. Review status: criteria provided, single submitter. Criteria: Invitae Variant Classification Sherloc (09022015). Collection method: clinical testing. Allele origin: germline.
Comment: This sequence change replaces lysine, which is basic and polar, with asparagine, which is neutral and polar, at codon 453 of the NFKB1 protein (p.Lys453Asn). This variant is not present in population databases (gnomAD no frequency). This variant has not been reported in the literature in individuals affected with NFKB1-related conditions. Algorithms developed to predict the effect of missense changes on protein structure and function (SIFT, PolyPhen-2, Align-GVGD) all suggest that this variant is likely to be tolerated. In summary, the available evidence is currently insufficient to determine the role of this variant in disease. Therefore, it has been classified as a Variant of Uncertain Significance.

NM_003998.4(NFKB1):c.1359A>T (p.Lys453Asn)

Gene: NFKB1 (nuclear factor kappa B subunit 1; plus strand). Cytogenetic location: 4q24.
Variant type: single nucleotide variant.
Coding change: c.1359A>T on transcript NM_003998.4 (MANE Select); coding-DNA position 1359, A replaced by T.
Protein change: p.Lys453Asn; replaces lysine 453 with asparagine.
Molecular consequence: missense variant.
Genome position (GRCh38, 1-based): chr4:102,596,196, A>T. VCF-style: chr4-102596196-A-T. GRCh37 (hg19) VCF-style: chr4-103517353-A-T.
Other names: c.1356A>T, p.Lys452Asn (NM_001165412.2, NM_001319226.2, NM_001382627.1); c.1359A>T, p.Lys453Asn (NM_001382625.1, NM_001382626.1); c.1317A>T, p.Lys439Asn (NM_001382628.1); short protein forms K452N, K439N, K453N.
Identifiers: ClinVar variation 1934592 (VCV001934592.5), dbSNP rs2476497061, ClinGen allele CA357750932.